The following is an entry in ClinVar:

ClinVar aggregate classification (germline): Likely pathogenic (1 of 4 stars; one submission).

Submission:

GeneDx
Classification: Likely pathogenic. Last evaluated: 2025-06-11. Review status: criteria provided, single submitter. Criteria: GeneDx Variant Classification Process June 2021. Collection method: clinical testing. Allele origin: germline. Affected: yes.
Comment: Not observed at significant frequency in large population cohorts (gnomAD); In silico analysis supports that this missense variant has a deleterious effect on protein structure/function; Has not been previously published as pathogenic or benign to our knowledge

NM_031263.4(HNRNPK):c.533T>G (p.Ile178Ser)

Genes: HNRNPK (heterogeneous nuclear ribonucleoprotein K; minus strand), HNRNPK-AS1 (HNRNPK antisense RNA 1; plus strand). Cytogenetic location: 9q21.32.
Variant type: single nucleotide variant.
Coding change: c.533T>G on transcript NM_031263.4 (MANE Select); coding-DNA position 533, T replaced by G.
Protein change: p.Ile178Ser; replaces isoleucine 178 with serine.
Molecular consequence: missense variant.
Genome position (GRCh38, 1-based): chr9:83,972,956, A>C on the plus strand (T>G on the coding strand, the complement: HNRNPK is on the minus strand). VCF-style: chr9-83972956-A-C. GRCh37 (hg19) VCF-style: chr9-86587871-A-C.
Other names: c.461T>G, p.Ile154Ser (NM_001318186.2, NM_001318187.2); c.533T>G, p.Ile178Ser (NM_001318188.2, NM_002140.5, NM_031262.4); short protein forms I154S, I178S.
Identifiers: ClinVar variation 4537863 (VCV004537863.1).